The following is an entry in ClinVar:

NM_001042492.3(NF1):c.5871del (p.Arg1958fs)

Gene: NF1 (neurofibromin 1; plus strand). Cytogenetic location: 17q11.2.
Variant type: Deletion.
Coding change: c.5871del on transcript NM_001042492.3 (MANE Select); coding-DNA position 5871, one base deleted (T; older notation c.5871delT).
Protein change: p.Arg1958fs; shifts the reading frame from arginine 1958.
Molecular consequence: frameshift variant.
Genome position (GRCh38, 1-based): chr17:31,334,896, T deleted; the last of 2 consecutive T bases (chr17:31,334,895-31,334,896); deleting either gives the same sequence. VCF-style (leftmost placement, unchanged base first): chr17-31334894-GT-G. GRCh37 (hg19) VCF-style: chr17-29661912-GT-G.
Other names: c.5808delT, p.Arg1937Valfs (NM_000267.4); short protein forms R1958fs, R1937fs.
Identifiers: ClinVar variation 2009187 (VCV002009187.4), dbSNP rs2508736553, ClinGen allele CA2580092971.

ClinVar aggregate classification (germline): Pathogenic (1 of 4 stars; one submission).

Conditions:
Neurofibromatosis, type 1 (NF1). Also called: Neurofibromatosis, type I; Peripheral type neurofibromatosis; VON RECKLINGHAUSEN DISEASE; NEUROFIBROMATOSIS, TYPE I, SOMATIC. Identifiers: Orphanet 636, MedGen C0027831, MONDO:0018975, OMIM 162200. Disease mechanism: loss of function.

Submission:

Labcorp Genetics (formerly Invitae), Labcorp
Classification: Pathogenic for Neurofibromatosis, type 1. Last evaluated: 2022-06-22. Review status: criteria provided, single submitter. Criteria: Invitae Variant Classification Sherloc (09022015). Collection method: clinical testing. Allele origin: germline.
Comment: This variant is not present in population databases (gnomAD no frequency). This sequence change creates a premature translational stop signal (p.Arg1937Valfs*21) in the NF1 gene. It is expected to result in an absent or disrupted protein product. Loss-of-function variants in NF1 are known to be pathogenic (PMID: 10712197, 23913538). This variant has not been reported in the literature in individuals affected with NF1-related conditions. For these reasons, this variant has been classified as Pathogenic.

Literature cited by the submitters: PubMed 10712197; PubMed 23913538.